The following is an entry in ClinVar:

NM_001242896.3(DEPDC5):c.1581_1585del (p.Lys528fs)

Gene: DEPDC5 (DEP domain containing 5, GATOR1 subcomplex subunit; plus strand). Cytogenetic location: 22q12.3.
Variant type: Deletion.
Coding change: c.1581_1585del on transcript NM_001242896.3 (MANE Select); coding-DNA positions 1581 to 1585, 5 bases deleted (CAAGA; older notation c.1581_1585delCAAGA).
Protein change: p.Lys528fs; shifts the reading frame from lysine 528.
Molecular consequence: frameshift variant. On other transcripts: non-coding transcript variant (5).
Genome position (GRCh38, 1-based): chr22:31,815,127-31,815,131, CAAGA deleted. VCF-style (leftmost placement, unchanged base first): chr22-31815126-GCAAGA-G. GRCh37 (hg19) VCF-style: chr22-32211112-GCAAGA-G.
Other names: c.1581_1585del, p.Lys528fs (NM_001007188.4, NM_001136029.4, NM_001242897.2 and 7 more transcripts); c.1497_1501del, p.Lys500fs (NM_001369901.1, NM_001369902.1); short protein forms K500fs, K528fs.
Identifiers: ClinVar variation 3766995 (VCV003766995.1).
Genomic context (GRCh38, chr22:31,815,126, plus strand): 5'-CAAGCCGCACACTGCCCACTGAGGAAGTGAGGAGCCAGGCTTCTGACGACAGCTCCCTAG[GCAAGA>G]GTGCCAACATCCTGATGATCCCACACCCCCACCTGCACCAGTATGAAGTCAGCAGCTCCT-3'

ClinVar aggregate classification (germline): Likely pathogenic (1 of 4 stars; one submission).

Conditions:
Epilepsy, familial focal, with variable foci 1 (FFEVF1). Also called: DEPDC5-Related Epilepsy. Identifiers: MedGen C4551983, MONDO:0024556, OMIM 604364.

Submission:

ARUP Laboratories, Molecular Genetics and Genomics, ARUP Laboratories
Classification: Likely pathogenic for Epilepsy, familial focal, with variable foci 1. Last evaluated: 2024-01-16. Review status: criteria provided, single submitter. Criteria: ARUP Molecular Germline Variant Investigation Process 2024. Collection method: clinical testing. Allele origin: germline.
Comment: The DEPDC5 c.1581_1585del; p.Lys528CysfsTer15 variant, to our knowledge, is not reported in the medical literature or gene specific databases. This variant is absent from the Genome Aggregation Database (v2.1.1), indicating it is not a common polymorphism. This variant causes a frameshift by deleting five nucleotides, so it is predicted to result in a truncated protein or mRNA subject to nonsense-mediated decay. Other loss-of-function DEPDC5 variants are considered to be causative of familial focal epilepsy (Baldassari 2019). Based on available information, the c.1581_1585del variant is considered to be likely pathogenic. References: Baldassari S et al. The landscape of epilepsy-related GATOR1 variants. Genet Med. 2019 Feb;21(2):398-408. Erratum in: Genet Med. 2018 Aug 29;: Erratum in: Genet Med. 2018 Sep 27. PMID: 30093711.